The following is an entry in ClinVar:

ClinVar aggregate classification (germline): Uncertain significance (1 of 4 stars; one submission).

Conditions:
Focal segmental glomerulosclerosis 5 (FSGS5). Identifiers: Orphanet 656, MedGen C2750475, MONDO:0013191, OMIM 613237.
Charcot-Marie-Tooth disease dominant intermediate E. Also called: CHARCOT-MARIE-TOOTH NEUROPATHY WITH FOCAL SEGMENTAL GLOMERULONEPHRITIS. Identifiers: Orphanet 93114, MedGen C4302667, MONDO:0013758, OMIM 614455.

gnomAD v4.1: 2 of 1,606,922 alleles (0.00012%); highest among the groups gnomAD compares: Non-Finnish European, 0.00017%; 1 homozygote.

Submission:

Labcorp Genetics (formerly Invitae), Labcorp
Classification: Uncertain significance for Charcot-Marie-Tooth disease dominant intermediate E; Focal segmental glomerulosclerosis 5. Last evaluated: 2022-09-01. Review status: criteria provided, single submitter. Criteria: Invitae Variant Classification Sherloc (09022015). Collection method: clinical testing. Allele origin: germline.
Comment: In summary, the available evidence is currently insufficient to determine the role of this variant in disease. Therefore, it has been classified as a Variant of Uncertain Significance. Algorithms developed to predict the effect of missense changes on protein structure and function are either unavailable or do not agree on the potential impact of this missense change (SIFT: "Tolerated"; PolyPhen-2: "Probably Damaging"; Align-GVGD: "Class C0"). This variant has not been reported in the literature in individuals affected with INF2-related conditions. This variant is not present in population databases (gnomAD no frequency). This sequence change replaces aspartic acid, which is acidic and polar, with histidine, which is basic and polar, at codon 267 of the INF2 protein (p.Asp267His).

NM_022489.4(INF2):c.799G>C (p.Asp267His)

Gene: INF2 (inverted formin 2; plus strand). Cytogenetic location: 14q32.33.
Variant type: single nucleotide variant.
Coding change: c.799G>C on transcript NM_022489.4 (MANE Select); coding-DNA position 799, G replaced by C.
Protein change: p.Asp267His; replaces aspartic acid 267 with histidine.
Molecular consequence: missense variant.
Genome position (GRCh38, 1-based): chr14:104,706,132, G>C. VCF-style: chr14-104706132-G-C. GRCh37 (hg19) VCF-style: chr14-105172469-G-C.
Other names: c.799G>C, p.Asp267His (NM_001031714.4); short protein forms D267H.
Identifiers: ClinVar variation 1718560 (VCV001718560.5), dbSNP rs772599038, ClinGen allele CA391214079.